The following is an entry in ClinVar:

ClinVar aggregate classification (germline): Uncertain significance. Review status: criteria provided, multiple submitters, no conflicts (2 of 4 stars). 3 submissions from 3 submitters: Uncertain significance (3). Last evaluated 2024-08-13.

Conditions:
Inborn genetic diseases. Identifiers: MedGen C0950123, MeSH D030342.

Allele frequency attached by ClinVar (database versions not stated): ExAC 0.00005.
gnomAD v4.1: 46 of 1,551,358 alleles (0.003%); highest among the groups gnomAD compares: Non-Finnish European, 0.0036%; no homozygotes.

Submissions (3):

Mayo Clinic Laboratories, Mayo Clinic
Classification: Uncertain significance. Last evaluated: 2024-08-13. Review status: criteria provided, single submitter. Criteria: ACMG Guidelines, 2015. Collection method: clinical testing. Allele origin: germline. Observed: 1 variant allele.
Comment: PM2

Labcorp Genetics (formerly Invitae), Labcorp
Classification: Uncertain significance. Last evaluated: 2024-06-10. Review status: criteria provided, single submitter. Criteria: Invitae Variant Classification Sherloc (09022015). Collection method: clinical testing. Allele origin: germline.
Comment: This sequence change replaces glycine, which is neutral and non-polar, with tryptophan, which is neutral and slightly polar, at codon 492 of the RASGRP2 protein (p.Gly492Trp). This variant is present in population databases (rs771647146, gnomAD 0.02%). This variant has not been reported in the literature in individuals affected with RASGRP2-related conditions. ClinVar contains an entry for this variant (Variation ID: 1982863). Advanced modeling of protein sequence and biophysical properties (such as structural, functional, and spatial information, amino acid conservation, physicochemical variation, residue mobility, and thermodynamic stability) performed at Invitae indicates that this missense variant is not expected to disrupt RASGRP2 protein function with a negative predictive value of 80%. In summary, the available evidence is currently insufficient to determine the role of this variant in disease. Therefore, it has been classified as a Variant of Uncertain Significance.

Ambry Genetics
Classification: Uncertain significance for Inborn genetic diseases. Last evaluated: 2022-08-29. Review status: criteria provided, single submitter. Criteria: Ambry Variant Classification Scheme 2023. Collection method: clinical testing. Allele origin: germline.

NM_001098671.2(RASGRP2):c.1474G>T (p.Gly492Trp)

Gene: RASGRP2 (RAS guanyl releasing protein 2; minus strand). Cytogenetic location: 11q13.1.
Variant type: single nucleotide variant.
Coding change: c.1474G>T on transcript NM_001098671.2 (MANE Select); coding-DNA position 1474, G replaced by T.
Protein change: p.Gly492Trp; replaces glycine 492 with tryptophan.
Molecular consequence: missense variant.
Genome position (GRCh38, 1-based): chr11:64,730,133, C>A on the plus strand (G>T on the coding strand, the complement: RASGRP2 is on the minus strand). VCF-style: chr11-64730133-C-A. GRCh37 (hg19) VCF-style: chr11-64497605-C-A.
Other names: p.Gly492Trp; c.1474G>T, p.Gly492Trp (NM_001098670.2, NM_153819.2); c.1039G>T, p.Gly347Trp (NM_001318398.2); short protein forms G347W, G492W.
Identifiers: ClinVar variation 1982863 (VCV001982863.6), dbSNP rs771647146, ClinGen allele CA6078899.
Genomic context (GRCh38, chr11:64,730,133, plus strand): 5'-AGGCGACGGGGCGCAAGGAGTTGCTCTCCTGGAAGTTGTGTACGAAGCCCATGCGCCCCC[C>A]CAACACAGAGCTGGAGCGCAGGAAATAGGAAACCATCTCCTCCCTGCTGATGCAGCCATC-3'
Protein context (NP_001092141.1, residues 482-502): SYFLRSSSVL[Gly492Trp]GRMGFVHNFQ